The following is an entry in ClinVar:

NM_198253.3(TERT):c.2687G>T (p.Cys896Phe)

Gene: TERT (telomerase reverse transcriptase; minus strand). Cytogenetic location: 5p15.33.
Variant type: single nucleotide variant.
Coding change: c.2687G>T on transcript NM_198253.3 (MANE Select); coding-DNA position 2687, G replaced by T.
Protein change: p.Cys896Phe; replaces cysteine 896 with phenylalanine.
Molecular consequence: missense variant. On other transcripts: intron variant (1).
Genome position (GRCh38, 1-based): chr5:1,264,560, C>A on the plus strand (G>T on the coding strand, the complement: TERT is on the minus strand). VCF-style: chr5-1264560-C-A. GRCh37 (hg19) VCF-style: chr5-1264675-C-A.
Other names: c.2654+1904G>T (NM_001193376.3); short protein forms C896F.
Identifiers: ClinVar variation 3455145 (VCV003455145.1).

ClinVar aggregate classification (germline): Uncertain significance (1 of 4 stars; one submission).

Conditions:
Dyskeratosis congenita. Identifiers: Orphanet 1775, MedGen C0265965, MONDO:0015780.

Submission:

Ambry Genetics
Classification: Uncertain significance for Dyskeratosis congenita. Last evaluated: 2024-09-23. Review status: criteria provided, single submitter. Criteria: Ambry Variant Classification Scheme 2023. Collection method: clinical testing. Allele origin: germline.
Comment: The p.C896F variant (also known as c.2687G>T), located in coding exon 11 of the TERT gene, results from a G to T substitution at nucleotide position 2687. The cysteine at codon 896 is replaced by phenylalanine, an amino acid with highly dissimilar properties. This amino acid position is conserved. In addition, the in silico prediction for this alteration is inconclusive. Based on the available evidence, the clinical significance of this variant remains unclear.